The following is an entry in ClinVar:

ClinVar aggregate classification (germline): Conflicting classifications of pathogenicity. Review status: criteria provided, conflicting classifications (1 of 4 stars). 7 submissions from 7 submitters: Uncertain significance (4); Likely benign (2). 1 of the submissions does not count toward it. Last evaluated 2026-01-14.

Conditions:
Cardiomyopathy (CMYO). Also called: Cardiomyopathies. Identifiers: Orphanet 167848, MedGen C0878544, MONDO:0004994, HP:0001638. Inheritance: Various modes of inheritance.
Arrhythmogenic right ventricular dysplasia 5. Also called: Arrhythmogenic Right Ventricular Dysplasia/Cardiomyopathy 5; ARRHYTHMOGENIC RIGHT VENTRICULAR DYSPLASIA, FAMILIAL, 5. Identifiers: MedGen C1858379, MONDO:0011459, OMIM 604400.
TMEM43-related disorder. Also called: TMEM43-related condition.
Cardiovascular phenotype. Identifiers: MedGen CN230736.

Allele frequency attached by ClinVar (database versions not stated): gnomAD 0.00003; TOPMed 0.00005.
gnomAD v4.1: 64 of 1,613,870 alleles (0.004%); highest among the groups gnomAD compares: Middle Eastern, 0.016%; no homozygotes.

Submissions (7):

Labcorp Genetics (formerly Invitae), Labcorp
Classification: Uncertain significance for Arrhythmogenic right ventricular dysplasia 5. Last evaluated: 2026-01-14. Review status: criteria provided, single submitter. Criteria: Invitae Variant Classification Sherloc (09022015). Collection method: clinical testing. Allele origin: germline.
Comment: This sequence change replaces tyrosine, which is neutral and polar, with cysteine, which is neutral and slightly polar, at codon 371 of the TMEM43 protein (p.Tyr371Cys). This variant is present in population databases (rs752269639, gnomAD 0.005%). This variant has not been reported in the literature in individuals affected with TMEM43-related conditions. ClinVar contains an entry for this variant (Variation ID: 518601). Invitae Evidence Modeling of protein sequence and biophysical properties (such as structural, functional, and spatial information, amino acid conservation, physicochemical variation, residue mobility, and thermodynamic stability) indicates that this missense variant is expected to disrupt TMEM43 protein function with a positive predictive value of 80%. In summary, the available evidence is currently insufficient to determine the role of this variant in disease. Therefore, it has been classified as a Variant of Uncertain Significance.

Ambry Genetics
Classification: Likely benign for Cardiovascular phenotype. Last evaluated: 2025-10-23. Review status: criteria provided, single submitter. Criteria: Ambry Variant Classification Scheme 2023. Collection method: clinical testing. Allele origin: germline.

All of Us Research Program, National Institutes of Health
Classification: Uncertain significance for Arrhythmogenic right ventricular dysplasia 5. Last evaluated: 2024-08-13. Review status: criteria provided, single submitter. Criteria: ACMG Guidelines, 2015. Collection method: clinical testing. Allele origin: germline. Inheritance: Autosomal dominant inheritance. Observed: 20 variant alleles, 20 heterozygotes.
Comment: This missense variant replaces tyrosine with cysteine at codon 371 of the TMEM43 protein. Computational prediction suggests that this variant may have deleterious impact on protein structure and function (internally defined REVEL score threshold >= 0.7, PMID: 27666373). To our knowledge, functional studies have not been reported for this variant. This variant has not been reported in individuals affected with cardiovascular disorders in the literature. This variant has been identified in 7/282768 chromosomes in the general population by the Genome Aggregation Database (gnomAD). The available evidence is insufficient to determine the role of this variant in disease conclusively. Therefore, this variant is classified as a Variant of Uncertain Significance.

This study involves interpretation of variants in research participants for the purpose of population health screening. Participant phenotype was not available at the time of variant classification. Additional details can be found in publication PMID: 35346344, PMCID: PMC8962531

Color Diagnostics, LLC DBA Color Health
Classification: Uncertain significance for Cardiomyopathy. Last evaluated: 2024-05-23. Review status: criteria provided, single submitter. Criteria: ACMG Guidelines, 2015. Collection method: clinical testing. Allele origin: germline.
Comment: This missense variant replaces tyrosine with cysteine at codon 371 of the TMEM43 protein. Computational prediction suggests that this variant may have deleterious impact on protein structure and function (internally defined REVEL score threshold >= 0.7, PMID: 27666373). To our knowledge, functional studies have not been reported for this variant. This variant has not been reported in individuals affected with TMEM43-related disorders in the literature. This variant has been identified in 7/282768 chromosomes in the general population by the Genome Aggregation Database (gnomAD). The available evidence is insufficient to determine the role of this variant in disease conclusively. Therefore, this variant is classified as a Variant of Uncertain Significance.

Women's Health and Genetics/Laboratory Corporation of America, LabCorp
Classification: Likely benign. Last evaluated: 2024-01-02. Review status: criteria provided, single submitter. Criteria: LabCorp Variant Classification Summary - May 2015. Collection method: clinical testing. Allele origin: germline.
Comment: Variant summary: TMEM43 c.1112A>G (p.Tyr371Cys) results in a non-conservative amino acid change in the encoded protein sequence. Four of five in-silico tools predict a damaging effect of the variant on protein function. The variant allele was found at a frequency of 4e-05 in 1613870 control chromosomes, predominantly at a frequency of 4.7e-05 within the Non-Finnish European subpopulation in the gnomAD database. The observed variant frequency within Non-Finnish European control individuals in the gnomAD (v4.0.0) database is approximately 6 fold of the estimated maximal expected allele frequency for a pathogenic variant in TMEM43 causing Arrhythmogenic Right Ventricular Dysplasia/Cardiomyopathy phenotype (8.3e-06), strongly suggesting that the variant is a benign polymorphism found primarily in populations of Non-Finnish European origin. To our knowledge, no occurrence of c.1112A>G in individuals affected with Arrhythmogenic Right Ventricular Dysplasia/Cardiomyopathy and no experimental evidence demonstrating its impact on protein function have been reported. Three submitters have cited clinical-significance assessments for this variant to ClinVar after 2014. All submitters classified the variant as uncertain significance. Based on the evidence outlined above, the variant was classified as likely benign.

GeneDx
Classification: Uncertain significance. Last evaluated: 2023-12-07. Review status: criteria provided, single submitter. Criteria: GeneDx Variant Classification Process June 2021. Collection method: clinical testing. Allele origin: germline. Affected: yes.
Comment: Has not been previously published as pathogenic or benign to our knowledge; In silico analysis supports that this missense variant has a deleterious effect on protein structure/function

PreventionGenetics, part of Exact Sciences
Classification: Uncertain significance for TMEM43-related condition. Last evaluated: 2024-08-27. Review status: no assertion criteria provided. Collection method: clinical testing. Allele origin: germline. Not counted in ClinVar's aggregate classification.
Comment: The TMEM43 c.1112A>G variant is predicted to result in the amino acid substitution p.Tyr371Cys. To our knowledge, this variant has not been reported in the literature. This variant is reported in 0.0054% of alleles in individuals of European (Non-Finnish) descent in gnomAD. At this time, the clinical significance of this variant is uncertain due to the absence of conclusive functional and genetic evidence.

NM_024334.3(TMEM43):c.1112A>G (p.Tyr371Cys)

Gene: TMEM43 (transmembrane protein 43; plus strand). Cytogenetic location: 3p25.1.
Variant type: single nucleotide variant.
Coding change: c.1112A>G on transcript NM_024334.3 (MANE Select); coding-DNA position 1112, A replaced by G.
Protein change: p.Tyr371Cys; replaces tyrosine 371 with cysteine.
Molecular consequence: missense variant.
Genome position (GRCh38, 1-based): chr3:14,141,704, A>G. VCF-style: chr3-14141704-A-G. GRCh37 (hg19) VCF-style: chr3-14183204-A-G.
Other names: short protein forms Y371C.
Identifiers: ClinVar variation 518601 (VCV000518601.24), dbSNP rs752269639, ClinGen allele CA051242.